The following is an entry in ClinVar:

ClinVar aggregate classification (germline): Likely pathogenic. Review status: criteria provided, single submitter (1 of 4 stars). 3 submissions from 3 submitters: Likely pathogenic (1). 2 of the submissions do not count toward it. Last evaluated 2026-06-23.

Conditions:
Cardiovascular phenotype. Identifiers: MedGen CN230736.

Submissions (3):

Ambry Genetics
Classification: Likely pathogenic for Cardiovascular phenotype. Last evaluated: 2026-06-23. Review status: criteria provided, single submitter. Criteria: Ambry Variant Classification Scheme 2023. Collection method: clinical testing. Allele origin: germline.
Comment: The c.42640_42649del10 variant, located in coding exon 153 of the TTN gene, results from a deletion of 10 nucleotides at nucleotide positions 42640 to 42649, causing a translational frameshift with a predicted alternate stop codon (p.H14214*). This exon is located in the A-band region of the N2-B isoform of the titin protein and is constitutively expressed in TTN transcripts (percent spliced in or PSI 100%). This variant is expected to result in loss of function by premature protein truncation or nonsense-mediated mRNA decay. While truncating variants in TTN are present in 1-3% of the general population, truncating variants in the A-band are the most common cause of dilated cardiomyopathy (Herman DS et al. N. Engl. J. Med., 2012 Feb;366:619-28; Roberts AM et al. Sci Transl Med, 2015 Jan;7:270ra6). TTN truncating variants encoded in constitutive exons (PSI >90%) have been found to be significantly associated with DCM regardless of their position in titin (Schafer S et al. Nat. Genet., 2017 01;49:46-53; Akhtar MM et al. Circ Heart Fail, 2020 Oct;13:e006832; Massier M et al. Clin Genet, 2025 Jan). This variant is considered to be rare based on population cohorts in the Genome Aggregation Database (gnomAD). Based on the majority of available evidence to date, this variant is likely to be pathogenic.

Clinical Genetics, Academic Medical Center
Classification: Likely pathogenic. Review status: no assertion criteria provided. Collection method: clinical testing. Allele origin: germline. Affected: yes. Study: VKGL Data-share Consensus. Not counted in ClinVar's aggregate classification.

Diagnostic Laboratory, Department of Genetics, University Medical Center Groningen
Classification: Likely pathogenic. Review status: no assertion criteria provided. Collection method: clinical testing. Allele origin: germline. Affected: yes. Study: VKGL Data-share Consensus. Not counted in ClinVar's aggregate classification.

NM_001267550.2(TTN):c.69835_69844del (p.Glu23278_His23279insTer)

Genes: TTN (titin; minus strand), TTN-AS1 (TTN antisense RNA 1; plus strand), LOC126806422 (BRD4-independent group 4 enhancer GRCh37_chr2:179440205-179441404; plus strand). Cytogenetic location: 2q31.2.
Variant type: Deletion.
Coding change: c.69835_69844del on transcript NM_001267550.2 (MANE Select); coding-DNA positions 69835 to 69844, 10 bases deleted (CATCAAAAAG; older notation c.69835_69844delCATCAAAAAG).
Protein change: p.Glu23278_His23279insTer.
Molecular consequence: nonsense.
Genome position (GRCh38, 1-based): chr2:178,576,288-178,576,297, CTTTTTGATG deleted on the plus strand (CATCAAAAAG on the coding strand, the reverse complement: TTN is on the minus strand); deleting any 10 consecutive bases within chr2:178,576,288-178,576,299 gives the same sequence; the c. name uses the placement nearest the transcript's 3' end. VCF-style (leftmost placement, unchanged base first): chr2-178576287-ACTTTTTGATG-A. GRCh37 (hg19) VCF-style: chr2-179441014-ACTTTTTGATG-A.
Other names: c.42640_42649del10 (NM_003319.4); c.64912_64921del, p.Glu21637_His21638insTer (NM_001256850.1); c.42640_42649del, p.Glu14213_His14214insTer (NM_003319.4); c.62131_62140del, p.Glu20710_His20711insTer (NM_133378.4); c.43015_43024del, p.Glu14338_His14339insTer (NM_133432.3); c.43216_43225del, p.Glu14405_His14406insTer (NM_133437.4).
Identifiers: ClinVar variation 1284305 (VCV001284305.4), dbSNP rs2154172889, ClinGen allele CA2499215370.